The following is an entry in ClinVar:

NM_002485.5(NBN):c.1430C>T (p.Ser477Leu)

Gene: NBN (nibrin; minus strand). Cytogenetic location: 8q21.3.
Variant type: single nucleotide variant.
Coding change: c.1430C>T on transcript NM_002485.5 (MANE Select); coding-DNA position 1430, C replaced by T.
Protein change: p.Ser477Leu; replaces serine 477 with leucine.
Molecular consequence: missense variant.
Genome position (GRCh38, 1-based): chr8:89,953,659, G>A on the plus strand (C>T on the coding strand, the complement: NBN is on the minus strand). VCF-style: chr8-89953659-G-A. GRCh37 (hg19) VCF-style: chr8-90965887-G-A.
Other names: c.1184C>T, p.Ser395Leu (NM_001024688.3); short protein forms S477L, S395L.
Identifiers: ClinVar variation 232495 (VCV000232495.17), dbSNP rs767123014, ClinGen allele CA4802720.

ClinVar aggregate classification (germline): Uncertain significance. Review status: criteria provided, multiple submitters, no conflicts (2 of 4 stars). 6 submissions from 6 submitters: Uncertain significance (5). 1 of the submissions does not count toward it. Last evaluated 2025-12-07.

Conditions:
Hereditary cancer-predisposing syndrome. Also called: Hereditary Cancer Syndrome; Neoplastic Syndromes, Hereditary; Tumor predisposition; Hereditary neoplastic syndrome. Identifiers: Orphanet 140162, MedGen C0027672, MeSH D009386, MONDO:0015356.
NBN-related disorder. Also called: NBN-related condition.
Microcephaly, normal intelligence and immunodeficiency (NBS). Also called: BERLIN BREAKAGE SYNDROME; Ataxia telangiectasia variant V1; IMMUNODEFICIENCY, MICROCEPHALY, AND CHROMOSOMAL INSTABILITY; SEEMANOVA SYNDROME II; Nijmegen breakage syndrome; Microcephaly with normal intelligence immunodeficiency and lymphoreticular malignancies. Identifiers: Orphanet 647, MedGen C0398791, MONDO:0009623, OMIM 251260.

Allele frequency attached by ClinVar (database versions not stated): gnomAD exomes below 0.00001 and 0.00001; ExAC 0.00001; gnomAD 0.00002; TOPMed 0.00002.
gnomAD v4.1: 7 of 1,611,888 alleles (0.00043%); highest among the groups gnomAD compares: African/African-American, 0.008%; no homozygotes.

Submissions (6):

Ambry Genetics
Classification: Uncertain significance for Hereditary cancer-predisposing syndrome. Last evaluated: 2025-12-07. Review status: criteria provided, single submitter. Criteria: Ambry Variant Classification Scheme 2023. Collection method: clinical testing. Allele origin: germline.
Comment: The p.S477L variant (also known as c.1430C>T), located in coding exon 11 of the NBN gene, results from a C to T substitution at nucleotide position 1430. The serine at codon 477 is replaced by leucine, an amino acid with dissimilar properties. This amino acid position is not well conserved however, leucine is a reference amino acid in several species. In addition, this alteration is predicted to be tolerated by in silico analysis. Since supporting evidence is limited at this time, the clinical significance of this alteration remains unclear.

Labcorp Genetics (formerly Invitae), Labcorp
Classification: Uncertain significance for Microcephaly, normal intelligence and immunodeficiency. Last evaluated: 2025-07-07. Review status: criteria provided, single submitter. Criteria: Invitae Variant Classification Sherloc (09022015). Collection method: clinical testing. Allele origin: germline.
Comment: This sequence change replaces serine, which is neutral and polar, with leucine, which is neutral and non-polar, at codon 477 of the NBN protein (p.Ser477Leu). This variant is present in population databases (rs767123014, gnomAD 0.007%). This variant has not been reported in the literature in individuals affected with NBN-related conditions. ClinVar contains an entry for this variant (Variation ID: 232495). An algorithm developed to predict the effect of missense changes on protein structure and function outputs the following: PolyPhen-2: "Benign". The leucine amino acid residue is found in multiple mammalian species, which suggests that this missense change does not adversely affect protein function. Algorithms developed to predict the effect of sequence changes on RNA splicing suggest that this variant may disrupt the consensus splice site. In summary, the available evidence is currently insufficient to determine the role of this variant in disease. Therefore, it has been classified as a Variant of Uncertain Significance.

PreventionGenetics, part of Exact Sciences
Classification: Uncertain significance for NBN-related condition. Last evaluated: 2022-11-30. Review status: criteria provided, single submitter. Criteria: ACMG Guidelines, 2015. Collection method: clinical testing. Allele origin: germline.
Comment: The NBN c.1430C>T variant is predicted to result in the amino acid substitution p.Ser477Leu. To our knowledge, this variant has not been reported in the literature. This variant is reported in 0.0062% of alleles in individuals of African descent in gnomAD and has been interpreted as uncertain in ClinVar. At this time, the clinical significance of this variant is uncertain due to the absence of conclusive functional and genetic evidence.

Genome-Nilou Lab
Classification: Uncertain significance for Microcephaly, normal intelligence and immunodeficiency. Last evaluated: 2021-11-07. Review status: criteria provided, single submitter. Criteria: ACMG Guidelines, 2015. Collection method: clinical testing. Allele origin: germline. Affected: no.

Quest Diagnostics Nichols Institute San Juan Capistrano
Classification: Uncertain significance. Last evaluated: 2017-01-09. Review status: criteria provided, single submitter. Criteria: Quest Diagnostics criteria. Collection method: clinical testing. Allele origin: germline.

Counsyl
Classification: Uncertain significance for Microcephaly, normal intelligence and immunodeficiency. Last evaluated: 2018-03-22. Review status: no assertion criteria provided. Collection method: clinical testing. Allele origin: unknown. Not counted in ClinVar's aggregate classification.